The following is an entry in ClinVar:

NM_020831.6(MRTFA):c.2874G>A (p.Pro958=)

Gene: MRTFA (myocardin related transcription factor A; minus strand). Cytogenetic location: 22q13.1.
Variant type: single nucleotide variant.
Coding change: c.2874G>A on transcript NM_020831.6 (MANE Select); coding-DNA position 2874, G replaced by A.
Protein change: p.Pro958=; no amino-acid change (proline 958 retained).
Molecular consequence: synonymous variant. On other transcripts: 3 prime UTR variant (1).
Genome position (GRCh38, 1-based): chr22:40,411,612, C>T on the plus strand (G>A on the coding strand, the complement: MRTFA is on the minus strand). VCF-style: chr22-40411612-C-T. GRCh37 (hg19) VCF-style: chr22-40807616-C-T.
Other names: c.2574G>A, p.Pro858= (NM_001282660.2); c.2724G>A, p.Pro908= (NM_001282661.3); c.*187G>A (NM_001282662.3); c.2679G>A, p.Pro893= (NM_001318139.2); c.2574G>A (NM_020831.4).
Identifiers: ClinVar variation 1139999 (VCV001139999.11), dbSNP rs538107883, ClinGen allele CA10249202.

ClinVar aggregate classification (germline): Likely benign. Review status: criteria provided, single submitter (1 of 4 stars). 2 submissions from 2 submitters: Likely benign (1). 1 of the submissions does not count toward it. Last evaluated 2025-01-30.

Conditions:
MRTFA-related disorder. Also called: MRTFA-related condition.

Allele frequency attached by ClinVar (database versions not stated): TOPMed 0.00002; gnomAD 0.00004 and 0.00011; gnomAD exomes 0.00006 and 0.00017; ExAC 0.00020; 1000 Genomes Project 30x 0.00156; 1000 Genomes Project 0.00160.
gnomAD v4.1: 109 of 1,613,598 alleles (0.0068%); highest among the groups gnomAD compares: South Asian, 0.099%; 1 homozygote.

Submissions (2):

Labcorp Genetics (formerly Invitae), Labcorp
Classification: Likely benign. Last evaluated: 2025-01-30. Review status: criteria provided, single submitter. Criteria: Invitae Variant Classification Sherloc (09022015). Collection method: clinical testing. Allele origin: germline.

PreventionGenetics, part of Exact Sciences
Classification: Likely benign for MRTFA-related condition. Last evaluated: 2020-02-24. Review status: no assertion criteria provided. Collection method: clinical testing. Allele origin: germline. Not counted in ClinVar's aggregate classification.
Comment: This variant is classified as likely benign based on ACMG/AMP sequence variant interpretation guidelines (Richards et al. 2015 PMID: 25741868, with internal and published modifications).